The following is an entry in ClinVar:

NM_003105.6(SORL1):c.470G>A (p.Gly157Glu)

Genes: SORL1 (sortilin related receptor 1; plus strand), LOC105369535 (uncharacterized LOC105369535; minus strand). Cytogenetic location: 11q24.1.
Variant type: single nucleotide variant.
Coding change: c.470G>A on transcript NM_003105.6 (MANE Select); coding-DNA position 470, G replaced by A.
Protein change: p.Gly157Glu; replaces glycine 157 with glutamic acid.
Molecular consequence: missense variant.
Genome position (GRCh38, 1-based): chr11:121,478,185, G>A. VCF-style: chr11-121478185-G-A. GRCh37 (hg19) VCF-style: chr11-121348894-G-A.
Other names: short protein forms G157E.
Identifiers: ClinVar variation 4762794 (VCV004762794.1).

ClinVar aggregate classification (germline): Uncertain significance (1 of 4 stars; one submission).

Submission:

Labcorp Genetics (formerly Invitae), Labcorp
Classification: Uncertain significance. Last evaluated: 2025-12-18. Review status: criteria provided, single submitter. Criteria: Invitae Variant Classification Sherloc (09022015). Collection method: clinical testing. Allele origin: germline.
Comment: This sequence change replaces glycine, which is neutral and non-polar, with glutamic acid, which is acidic and polar, at codon 157 of the SORL1 protein (p.Gly157Glu). This variant is not present in population databases (gnomAD no frequency). This variant has not been reported in the literature in individuals affected with SORL1-related conditions. An algorithm developed to predict the effect of missense changes on protein structure and function (PolyPhen-2) suggests that this variant is likely to be tolerated. In summary, the available evidence is currently insufficient to determine the role of this variant in disease. Therefore, it has been classified as a Variant of Uncertain Significance.